The following is an entry in ClinVar:

NM_000545.8(HNF1A):c.*589C>T

Genes: C12orf43 (chromosome 12 open reading frame 43; minus strand), HNF1A (HNF1 homeobox A; plus strand). Cytogenetic location: 12q24.31.
Variant type: single nucleotide variant.
Coding change: c.*589C>T on transcript NM_000545.8 (MANE Select); 589 bases downstream of the stop codon, C replaced by T.
Molecular consequence: 3 prime UTR variant.
Genome position (GRCh38, 1-based): chr12:121,001,781, C>T. VCF-style: chr12-121001781-C-T. GRCh37 (hg19) VCF-style: chr12-121439584-C-T.
Other names: c.*2372G>A (NM_001286191.2, NM_001286196.2, NM_022895.3); c.*589C>T (NM_001306179.2, NM_001406915.1).
Identifiers: ClinVar variation 880942 (VCV000880942.5), dbSNP rs55962050, ClinGen allele CA6832234.

ClinVar aggregate classification (germline): Benign/Likely benign. Review status: criteria provided, multiple submitters, no conflicts (2 of 4 stars). 2 submissions from 2 submitters: Benign (1); Likely benign (1). Last evaluated 2018-01-12.

Conditions:
Maturity-onset diabetes of the young (MODY). Also called: Maturity onset diabetes mellitus in young. Identifiers: Orphanet 552, MedGen C0342276, MONDO:0018911, HP:0004904.
Maturity-onset diabetes of the young type 3. Also called: MODY type 3; MODY, type III. Identifiers: Orphanet 552, MedGen C1838100, MeSH C563933, MONDO:0010894, OMIM 600496. Disease mechanism: loss of function.

Allele frequency attached by ClinVar (database versions not stated): ExAC 0.00041; TOPMed 0.00334; 1000 Genomes Project 0.00359; 1000 Genomes Project 30x 0.00375.
gnomAD v4.1: 732 of 536,300 alleles (0.14%); highest among the groups gnomAD compares: African/African-American, 1.2%; 9 homozygotes.

Submissions (2):

Illumina Laboratory Services, Illumina
Classification: Likely benign for Maturity-onset diabetes of the young type 3. Last evaluated: 2018-01-12. Review status: criteria provided, single submitter. Criteria: ICSL Variant Classification Criteria 13 December 2019. Collection method: clinical testing. Allele origin: germline.
Comment: This variant was observed in the ICSL laboratory as part of a predisposition screen in an ostensibly healthy population. It had not been previously curated by ICSL or reported in the Human Gene Mutation Database (HGMD: prior to June 1st, 2018), and was therefore a candidate for classification through an automated scoring system. Utilizing variant allele frequency, disease prevalence and penetrance estimates, and inheritance mode, an automated score was calculated to assess if this variant is too frequent to cause the disease. Based on the score and internal cut-off values, a variant classified as likely benign is not then subjected to further curation. The score for this variant resulted in a classification of likely benign for this disease.

Clinical Genomics, Uppaluri K&H Personalized Medicine Clinic
Classification: Benign for Maturity-onset diabetes of the young. Review status: criteria provided, single submitter. Criteria: K & H Uppaluri Personalized Medicine Clinic Variant Classification & Assertion Criteria_Updated V.1. Collection method: research. Allele origin: unknown. Inheritance: Autosomal dominant inheritance.
Comment: Mutations in HNF1A gene can predispose to MODY3. It is associated with both micro and macrovascular complications of diabetes, especially cardiovascular complications. Associated with glucosuria. May respond well to sulfonylureas. However, more evidence is required to confer the association of this particular variant rs55962050 with MODY3.

Literature cited by the submitters: PubMed 31517624 (cited by Clinical Genomics, Uppaluri K&H Personalized Medicine Clinic); PubMed 32395877 (cited by Clinical Genomics, Uppaluri K&H Personalized Medicine Clinic); PubMed 35328643 (cited by Clinical Genomics, Uppaluri K&H Personalized Medicine Clinic); PubMed 35673428 (cited by Clinical Genomics, Uppaluri K&H Personalized Medicine Clinic).